The following is an entry in ClinVar:

NM_001089.3(ABCA3):c.123G>A (p.Trp41Ter)

Gene: ABCA3 (ATP binding cassette subfamily A member 3; minus strand). Cytogenetic location: 16p13.3.
Variant type: single nucleotide variant.
Coding change: c.123G>A on transcript NM_001089.3 (MANE Select); coding-DNA position 123, G replaced by A.
Protein change: p.Trp41Ter; replaces tryptophan 41 with a stop codon.
Molecular consequence: nonsense.
Genome position (GRCh38, 1-based): chr16:2,326,206, C>T on the plus strand (G>A on the coding strand, the complement: ABCA3 is on the minus strand). VCF-style: chr16-2326206-C-T. GRCh37 (hg19) VCF-style: chr16-2376207-C-T.
Other names: short protein forms W41*.
Identifiers: ClinVar variation 5013584 (VCV005013584.1).

ClinVar aggregate classification (germline): Pathogenic (1 of 4 stars; one submission).

Conditions:
Interstitial lung disease due to ABCA3 deficiency. Also called: PULMONARY ALVEOLAR PROTEINOSIS, CONGENITAL, 3. Identifiers: Orphanet 440402, MedGen C1970456, MONDO:0012582, OMIM 610921.

gnomAD v4.1: 1 of 1,614,072 alleles (0.000062%); highest among the groups gnomAD compares: Non-Finnish European, 0.000085%; no homozygotes.

Submission:

Myriad Genetics, Inc.
Classification: Pathogenic for Interstitial lung disease due to ABCA3 deficiency. Last evaluated: 2024-09-26. Review status: criteria provided, single submitter. Criteria: Myriad Autosomal Dominant, Autosomal Recessive and X-Linked Classification Criteria (2023). Collection method: clinical testing. Allele origin: unknown.
Comment: NM_001089.2(ABCA3):c.123G>A(W41*) is expected to be pathogenic in the context of surfactant deficiency, ABCA3-related. This variant is predicted to lead to an abnormal or absent protein product due to the creation of a premature termination codon in ABCA3, a gene where loss-of-function variants are known to be pathogenic. Please note: this variant was assessed in the context of healthy population screening.